The following is an entry in ClinVar:

NM_000051.4(ATM):c.4948A>T (p.Asn1650Tyr)

Gene: ATM (ATM serine/threonine kinase; plus strand). Cytogenetic location: 11q22.3.
Variant type: single nucleotide variant.
Coding change: c.4948A>T on transcript NM_000051.4 (MANE Select); coding-DNA position 4948, A replaced by T.
Protein change: p.Asn1650Tyr; replaces asparagine 1650 with tyrosine.
Molecular consequence: missense variant.
Genome position (GRCh38, 1-based): chr11:108,297,325, A>T. VCF-style: chr11-108297325-A-T. GRCh37 (hg19) VCF-style: chr11-108168052-A-T.
Other names: c.4948A>T, p.Asn1650Tyr (NM_001351834.2); short protein forms N1650Y.
Identifiers: ClinVar variation 3967321 (VCV003967321.1).

ClinVar aggregate classification (germline): Uncertain significance (1 of 4 stars; one submission).

Conditions:
Hereditary cancer-predisposing syndrome. Also called: Tumor predisposition; Hereditary neoplastic syndrome; Hereditary Cancer Syndrome; Neoplastic Syndromes, Hereditary. Identifiers: Orphanet 140162, MedGen C0027672, MeSH D009386, MONDO:0015356.

Submission:

Ambry Genetics
Classification: Uncertain significance for Hereditary cancer-predisposing syndrome. Last evaluated: 2025-05-24. Review status: criteria provided, single submitter. Criteria: Ambry Variant Classification Scheme 2023. Collection method: clinical testing. Allele origin: germline.
Comment: The p.N1650Y variant (also known as c.4948A>T), located in coding exon 32 of the ATM gene, results from an A to T substitution at nucleotide position 4948. The asparagine at codon 1650 is replaced by tyrosine, an amino acid with dissimilar properties. This amino acid position is conserved. In addition, this alteration is predicted to be tolerated by in silico analysis. Based on the available evidence, the clinical significance of this variant remains unclear.